The following is an entry in ClinVar:

NM_002528.7(NTHL1):c.416C>T (p.Thr139Met)

Gene: NTHL1 (nth like DNA glycosylase 1; minus strand). Cytogenetic location: 16p13.3.
Variant type: single nucleotide variant.
Coding change: c.416C>T on transcript NM_002528.7 (MANE Select); coding-DNA position 416, C replaced by T.
Protein change: p.Thr139Met; replaces threonine 139 with methionine.
Molecular consequence: missense variant. On other transcripts: intron variant (1).
Genome position (GRCh38, 1-based): chr16:2,044,739, G>A on the plus strand (C>T on the coding strand, the complement: NTHL1 is on the minus strand). VCF-style: chr16-2044739-G-A. GRCh37 (hg19) VCF-style: chr16-2094740-G-A.
Other names: c.416C>T, p.Thr139Met (LRG_1366t1); c.86C>T, p.Thr29Met (NM_001318194.2); c.355-1013C>T (NM_001318193.2); short protein forms T29M, T139M.
Identifiers: ClinVar variation 653343 (VCV000653343.23), dbSNP rs756597137, ClinGen allele CA7828269.

ClinVar aggregate classification (germline): Uncertain significance. Review status: criteria provided, multiple submitters, no conflicts (2 of 4 stars). 8 submissions from 8 submitters: Uncertain significance (8). Last evaluated 2025-12-29.

Conditions:
Hereditary cancer-predisposing syndrome. Also called: Hereditary neoplastic syndrome; Hereditary Cancer Syndrome; Tumor predisposition; Neoplastic Syndromes, Hereditary. Identifiers: Orphanet 140162, MedGen C0027672, MeSH D009386, MONDO:0015356.
Familial adenomatous polyposis 3. Also called: NTHL1-related attenuated familial adenomatous polyposis; NTHL1-Related Adenomatous Polyposis and Colorectal Cancer; NTHL1 Tumor Syndrome; NTHL1-associated polyposis. Identifiers: Orphanet 220460, Orphanet 454840, MedGen C4225157, MONDO:0014630, OMIM 616415.

Allele frequency attached by ClinVar (database versions not stated): ExAC 0.00003; gnomAD exomes 0.00005; TOPMed 0.00011; gnomAD 0.00013.
gnomAD v4.1: 83 of 1,612,134 alleles (0.0051%); highest among the groups gnomAD compares: African/African-American, 0.032%; no homozygotes.

Submissions (8):

Center for Genomic Medicine, Rigshospitalet, Copenhagen University Hospital
Classification: Uncertain significance. Last evaluated: 2025-12-29. Review status: criteria provided, single submitter. Criteria: ACMG Guidelines, 2015. Collection method: clinical testing. Allele origin: germline.

Labcorp Genetics (formerly Invitae), Labcorp
Classification: Uncertain significance. Last evaluated: 2025-12-22. Review status: criteria provided, single submitter. Criteria: Invitae Variant Classification Sherloc (09022015). Collection method: clinical testing. Allele origin: germline.
Comment: This sequence change replaces threonine, which is neutral and polar, with methionine, which is neutral and non-polar, at codon 147 of the NTHL1 protein (p.Thr147Met). This variant is present in population databases (rs756597137, gnomAD 0.03%). This variant has not been reported in the literature in individuals affected with NTHL1-related conditions. ClinVar contains an entry for this variant (Variation ID: 653343). An algorithm developed to predict the effect of missense changes on protein structure and function (PolyPhen-2) suggests that this variant is likely to be disruptive. In summary, the available evidence is currently insufficient to determine the role of this variant in disease. Therefore, it has been classified as a Variant of Uncertain Significance.

GeneDx
Classification: Uncertain significance. Last evaluated: 2025-05-13. Review status: criteria provided, single submitter. Criteria: GeneDx Variant Classification Process June 2021. Collection method: clinical testing. Allele origin: germline. Affected: yes.
Comment: In silico analysis supports that this missense variant has a deleterious effect on protein structure/function; Has not been previously published as pathogenic or benign to our knowledge

Quest Diagnostics Nichols Institute San Juan Capistrano
Classification: Uncertain significance. Last evaluated: 2024-11-11. Review status: criteria provided, single submitter. Criteria: Quest Diagnostics criteria. Collection method: clinical testing. Allele origin: unknown.
Comment: The NTHL1 c.440C>T (p.Thr147Met) variant, also known as c.416C>T (p.Thr139Met), has not been reported in individuals with NTHL1-related conditions in the published literature. The frequency of this variant in the general population, 0.00024 (6/24634 chromosomes (Genome Aggregation Database)), is uninformative in the assessment of its pathogenicity. Analysis of this variant using bioinformatics tools for the prediction of the effect of amino acid changes on protein structure and function yielded predictions that this variant is damaging. Based on the available information, we are unable to determine the clinical significance of this variant.

Blueprint Genetics
Classification: Uncertain significance. Last evaluated: 2024-06-10. Review status: criteria provided, single submitter. Criteria: ACMG Guidelines, 2015. Collection method: clinical testing. Allele origin: germline.

Baylor Genetics
Classification: Uncertain significance for Familial adenomatous polyposis 3. Last evaluated: 2024-01-02. Review status: criteria provided, single submitter. Criteria: ACMG Guidelines, 2015. Collection method: clinical testing. Allele origin: unknown.

Ambry Genetics
Classification: Uncertain significance for Hereditary cancer-predisposing syndrome. Last evaluated: 2023-12-26. Review status: criteria provided, single submitter. Criteria: Ambry Variant Classification Scheme 2023. Collection method: clinical testing. Allele origin: germline.
Comment: The p.T147M variant (also known as c.440C>T), located in coding exon 3 of the NTHL1 gene, results from a C to T substitution at nucleotide position 440. The threonine at codon 147 is replaced by methionine, an amino acid with similar properties. This amino acid position is highly conserved in available vertebrate species. In addition, this alteration is predicted to be deleterious by in silico analysis. Since supporting evidence is limited at this time, the clinical significance of this alteration remains unclear.

Sema4
Classification: Uncertain significance for Hereditary cancer-predisposing syndrome. Last evaluated: 2022-02-09. Review status: criteria provided, single submitter. Criteria: Sema4 Curation Guidelines. Collection method: curation. Allele origin: germline.
Comment: The NTHL1 c.440C>T (p.T147M) variant has not been reported in the literature to our knowledge. This variant was observed in 18/279386 chromosomes across all population in the large and broad cohorts in the Genome Aggregation Database (PMID: 32461654). The variant has been reported in ClinVar (Variation ID: 653343). In silico tools suggest the impact of the variant on protein function is deleterious, though these predictions have not been confirmed by functional studies. The evidence is insufficient to meet ACMG/AMP criteria for classifying the variant as benign or pathogenic. Thus, the clinical significance of this variant is currently uncertain.